The following is an entry in ClinVar:

NC_000012.11:g.(?_80704371)_(80708131_?)del

Gene: OTOGL (otogelin like; plus strand). Cytogenetic location: 12q21.31.
Variant type: Deletion.
Identifiers: ClinVar variation 3244447 (VCV003244447.1).

ClinVar aggregate classification (germline): Pathogenic (1 of 4 stars; one submission).

Submission:

Labcorp Genetics (formerly Invitae), Labcorp
Classification: Pathogenic. Last evaluated: 2023-02-24. Review status: criteria provided, single submitter. Criteria: Invitae Variant Classification Sherloc (09022015). Collection method: clinical testing. Allele origin: unknown.
Comment: This variant is a gross deletion of the genomic region encompassing exon(s) 29-31 of the OTOGL gene. This deletion is out-of-frame, and is expected to create a premature termination codon and result in an absent or disrupted protein product. Loss-of-function variants in OTOGL are known to be pathogenic (PMID: 23122586). This variant has not been reported in the literature in individuals affected with OTOGL-related conditions. For these reasons, this variant has been classified as Pathogenic.

Literature cited by the submitters: PubMed 23122586.